The following is an entry in ClinVar:

NM_014905.5(GLS):c.276C>G (p.Pro92=)

Genes: GLS (glutaminase; plus strand), LOC129935270 (ATAC-STARR-seq lymphoblastoid silent region 12188; plus strand). Cytogenetic location: 2q32.2.
Variant type: single nucleotide variant.
Coding change: c.276C>G on transcript NM_014905.5 (MANE Select); coding-DNA position 276, C replaced by G.
Protein change: p.Pro92=; no amino-acid change (proline 92 retained).
Molecular consequence: synonymous variant.
Genome position (GRCh38, 1-based): chr2:190,881,360, C>G. VCF-style: chr2-190881360-C-G. GRCh37 (hg19) VCF-style: chr2-191746086-C-G.
Other names: c.276C>G, p.Pro92= (NM_001256310.2, NM_001437282.1, NM_001437283.1).
Identifiers: ClinVar variation 4873970 (VCV004873970.2).
Genomic context (GRCh38, chr2:190,881,360, plus strand): 5'-GTCCAGCTCTCCTTCGGAGATCTTGCAGGAGCTGGGCAAGGGGAGCACGCATCCGCAGCC[C>G]GGGGTGTCGCCACCCGCTGCCCCGGCGGCGCCCGGCCCCAAGGACGGCCCCGGGGAGACG-3'
Protein context (NP_055720.3, residues 82-102): ELGKGSTHPQ[Pro92=]GVSPPAAPAA

ClinVar aggregate classification (germline): Likely benign (1 of 4 stars; one submission).

Submission:

CeGaT Center for Human Genetics Tuebingen
Classification: Likely benign. Last evaluated: 2026-05-01. Review status: criteria provided, single submitter. Criteria: CeGaT Center For Human Genetics Tuebingen Variant Classification Criteria Version 2. Collection method: clinical testing. Allele origin: germline. Affected: yes. Observed: 1 variant allele.
Comment: GLS: BP4, BP7